The following is an entry in ClinVar:

ClinVar aggregate classification (germline): Pathogenic (1 of 4 stars; one submission).

Conditions:
Marfan syndrome (MFS). Also called: MARFAN SYNDROME, TYPE I; Marfan syndrome type 1; Marfan's syndrome; Marfan syndrome, classic; FBN1-Related Marfan Syndrome. Identifiers: Orphanet 284963, Orphanet 558, MedGen C0024796, MONDO:0007947, OMIM 154700.
Familial thoracic aortic aneurysm and aortic dissection (TAAD). Also called: Thoracic aortic aneurysms and dissections. Identifiers: Orphanet 91387, MedGen C4707243, MONDO:0019625.

Submission:

Labcorp Genetics (formerly Invitae), Labcorp
Classification: Pathogenic for Marfan syndrome; Familial thoracic aortic aneurysm and aortic dissection. Last evaluated: 2024-01-01. Review status: criteria provided, single submitter. Criteria: Invitae Variant Classification Sherloc (09022015). Collection method: clinical testing. Allele origin: germline.
Comment: This sequence change creates a premature translational stop signal (p.Asn1991Leufs*18) in the FBN1 gene. It is expected to result in an absent or disrupted protein product. Loss-of-function variants in FBN1 are known to be pathogenic (PMID: 17657824, 19293843). This variant is not present in population databases (gnomAD no frequency). This variant has not been reported in the literature in individuals affected with FBN1-related conditions. For these reasons, this variant has been classified as Pathogenic.

Literature cited by the submitters: PubMed 17657824; PubMed 19293843.

NM_000138.5(FBN1):c.5971_5972del (p.Asn1991fs)

Gene: FBN1 (fibrillin 1; minus strand). Cytogenetic location: 15q21.1.
Variant type: Deletion.
Coding change: c.5971_5972del on transcript NM_000138.5 (MANE Select); coding-DNA positions 5971 to 5972, 2 bases deleted (AA; older notation c.5971_5972delAA).
Protein change: p.Asn1991fs; shifts the reading frame from asparagine 1991.
Molecular consequence: frameshift variant.
Genome position (GRCh38, 1-based): chr15:48,444,606-48,444,607, TT deleted on the plus strand (AA on the coding strand, the reverse complement: FBN1 is on the minus strand); deleting any 2 consecutive bases within chr15:48,444,606-48,444,609 gives the same sequence; the c. name uses the placement nearest the transcript's 3' end. VCF-style (leftmost placement, unchanged base first): chr15-48444605-GTT-G. GRCh37 (hg19) VCF-style: chr15-48736802-GTT-G.
Other names: c.5971_5972del, p.Asn1991fs (NM_001406716.1); short protein forms N1991fs.
Identifiers: ClinVar variation 2921869 (VCV002921869.3), dbSNP rs2505452026, ClinGen allele CA2740096634.